The following is an entry in ClinVar:

NM_032578.4(MYPN):c.1295T>C (p.Ile432Thr)

Gene: MYPN (myopalladin; plus strand). Cytogenetic location: 10q21.3.
Variant type: single nucleotide variant.
Coding change: c.1295T>C on transcript NM_032578.4 (MANE Select); coding-DNA position 1295, T replaced by C.
Protein change: p.Ile432Thr; replaces isoleucine 432 with threonine.
Molecular consequence: missense variant. On other transcripts: non-coding transcript variant (2).
Genome position (GRCh38, 1-based): chr10:68,150,089, T>C. VCF-style: chr10-68150089-T-C. GRCh37 (hg19) VCF-style: chr10-69909846-T-C.
Other names: c.1295T>C, p.Ile432Thr (NM_001256267.2); c.413T>C, p.Ile138Thr (NM_001256268.2); short protein forms I432T, I138T.
Identifiers: ClinVar variation 659882 (VCV000659882.8), dbSNP rs1589558640, ClinGen allele CA376833507.

ClinVar aggregate classification (germline): Uncertain significance (1 of 4 stars; one submission).

Conditions:
Dilated cardiomyopathy 1KK (CMD1KK). Identifiers: Orphanet 154, Orphanet 75249, MedGen C3714995, MONDO:0014100, OMIM 615248.

Allele frequency attached by ClinVar (database versions not stated): gnomAD exomes below 0.00001.

Submission:

Labcorp Genetics (formerly Invitae), Labcorp
Classification: Uncertain significance for Dilated cardiomyopathy 1KK. Last evaluated: 2018-07-21. Review status: criteria provided, single submitter. Criteria: Invitae Variant Classification Sherloc (09022015). Collection method: clinical testing. Allele origin: germline.
Comment: This sequence change replaces isoleucine with threonine at codon 432 of the MYPN protein (p.Ile432Thr). The isoleucine residue is moderately conserved and there is a moderate physicochemical difference between isoleucine and threonine. This variant is not present in population databases (ExAC no frequency). This variant has not been reported in the literature in individuals with MYPN-related disease. Algorithms developed to predict the effect of missense changes on protein structure and function (SIFT, PolyPhen-2, Align-GVGD) all suggest that this variant is likely to be tolerated, but these predictions have not been confirmed by published functional studies and their clinical significance is uncertain. In summary, the available evidence is currently insufficient to determine the role of this variant in disease. Therefore, it has been classified as a Variant of Uncertain Significance.